The following is an entry in ClinVar:

ClinVar aggregate classification (germline): Uncertain significance (1 of 4 stars; one submission).

Conditions:
WNK3-related condition.

gnomAD v4.1: 9 of 1,202,297 alleles (0.00075%); highest among the groups gnomAD compares: Non-Finnish European, 0.001%; no homozygotes.

Submission:

PreventionGenetics, part of Exact Sciences
Classification: Uncertain significance for WNK3-related condition. Last evaluated: 2025-03-17. Review status: criteria provided, single submitter. Criteria: ACMG Guidelines, 2015. Collection method: clinical testing. Allele origin: germline.
Comment: The WNK3 c.2633C>T variant is predicted to result in the amino acid substitution p.Thr878Met. To our knowledge, this variant has not been reported in the literature or in a large population database (gnomAD), indicating this variant is rare. However, in gnomAD v4, in which variants are only reported in hg38, this variant is reported in 0.001% of individuals, including 4 hemizygotes.  Although we suspect that this variant may be pathogenic, at this time, the clinical significance of this variant is uncertain due to the absence of conclusive functional and genetic evidence.

NM_020922.5(WNK3):c.2633C>T (p.Thr878Met)

Gene: WNK3 (WNK lysine deficient protein kinase 3; minus strand). Cytogenetic location: Xp11.22.
Variant type: single nucleotide variant.
Coding change: c.2633C>T on transcript NM_020922.5 (MANE Select); coding-DNA position 2633, C replaced by T.
Protein change: p.Thr878Met; replaces threonine 878 with methionine.
Molecular consequence: missense variant.
Genome position (GRCh38, 1-based): chrX:54,250,074, G>A on the plus strand (C>T on the coding strand, the complement: WNK3 is on the minus strand). VCF-style: chrX-54250074-G-A. GRCh37 (hg19) VCF-style: chrX-54276507-G-A.
Other names: c.2633C>T, p.Thr878Met (NM_001002838.4, NM_001395166.1); short protein forms T878M.
Identifiers: ClinVar variation 4986758 (VCV004986758.1).